The following is an entry in ClinVar:

ClinVar aggregate classification (germline): Uncertain significance. Review status: criteria provided, multiple submitters, no conflicts (2 of 4 stars). 3 submissions from 3 submitters: Uncertain significance (3). Last evaluated 2024-10-21.

Conditions:
RAI1-related disorder. Also called: RAI1-related condition.
Inborn genetic diseases. Identifiers: MedGen C0950123, MeSH D030342.

Allele frequency attached by ClinVar (database versions not stated): gnomAD 0.00001.
gnomAD v4.1: 1 of 1,612,398 alleles (0.000062%); highest among the groups gnomAD compares: Non-Finnish European, 0.000085%; no homozygotes.

Submissions (3):

PreventionGenetics, part of Exact Sciences
Classification: Uncertain significance for RAI1-related condition. Last evaluated: 2024-10-21. Review status: criteria provided, single submitter. Criteria: ACMG Guidelines, 2015. Collection method: clinical testing. Allele origin: germline.
Comment: The RAI1 c.3714C>A variant is predicted to result in the amino acid substitution p.Asn1238Lys. To our knowledge, this variant has not been reported in the literature. This variant is reported in 0.0065% of alleles in individuals of European (Non-Finnish) descent in gnomAD. At this time, the clinical significance of this variant is uncertain due to the absence of conclusive functional and genetic evidence.

Labcorp Genetics (formerly Invitae), Labcorp
Classification: Uncertain significance. Last evaluated: 2023-05-13. Review status: criteria provided, single submitter. Criteria: Invitae Variant Classification Sherloc (09022015). Collection method: clinical testing. Allele origin: germline.
Comment: This sequence change replaces asparagine, which is neutral and polar, with lysine, which is basic and polar, at codon 1238 of the RAI1 protein (p.Asn1238Lys). This variant is present in population databases (no rsID available, gnomAD 0.007%). This variant has not been reported in the literature in individuals affected with RAI1-related conditions. ClinVar contains an entry for this variant (Variation ID: 1734227). Advanced modeling of protein sequence and biophysical properties (such as structural, functional, and spatial information, amino acid conservation, physicochemical variation, residue mobility, and thermodynamic stability) performed at Invitae indicates that this missense variant is not expected to disrupt RAI1 protein function. In summary, the available evidence is currently insufficient to determine the role of this variant in disease. Therefore, it has been classified as a Variant of Uncertain Significance.

Ambry Genetics
Classification: Uncertain significance for Inborn genetic diseases. Last evaluated: 2018-02-13. Review status: criteria provided, single submitter. Criteria: Ambry Variant Classification Scheme 2023. Collection method: clinical testing. Allele origin: germline.
Comment: The p.N1238K variant (also known as c.3714C>A), located in coding exon 1 of the RAI1 gene, results from a C to A substitution at nucleotide position 3714. The asparagine at codon 1238 is replaced by lysine, an amino acid with similar properties. This amino acid position is not well conserved in available vertebrate species. In addition, this alteration is predicted to be tolerated by in silico analysis. Since supporting evidence is limited at this time, the clinical significance of this alteration remains unclear.

NM_030665.4(RAI1):c.3714C>A (p.Asn1238Lys)

Gene: RAI1 (retinoic acid induced 1; plus strand). Cytogenetic location: 17p11.2.
Variant type: single nucleotide variant.
Coding change: c.3714C>A on transcript NM_030665.4 (MANE Select); coding-DNA position 3714, C replaced by A.
Protein change: p.Asn1238Lys; replaces asparagine 1238 with lysine.
Molecular consequence: missense variant.
Genome position (GRCh38, 1-based): chr17:17,796,662, C>A. VCF-style: chr17-17796662-C-A. GRCh37 (hg19) VCF-style: chr17-17699976-C-A.
Other names: short protein forms N1238K.
Identifiers: ClinVar variation 1734227 (VCV001734227.8), dbSNP rs1244793666, ClinGen allele CA398554781.